The following is an entry in ClinVar:

ClinVar aggregate classification (germline): Uncertain significance. Review status: criteria provided, multiple submitters, no conflicts (2 of 4 stars). 3 submissions from 3 submitters: Uncertain significance (3). Last evaluated 2025-07-30.

Conditions:
Inborn genetic diseases. Identifiers: MedGen C0950123, MeSH D030342.

Allele frequency attached by ClinVar (database versions not stated): gnomAD exomes below 0.00001; TOPMed 0.00001.
gnomAD v4.1: 2 of 1,614,032 alleles (0.00012%); highest among the groups gnomAD compares: Non-Finnish European, 0.00017%; no homozygotes.

Submissions (3):

Labcorp Genetics (formerly Invitae), Labcorp
Classification: Uncertain significance. Last evaluated: 2025-07-30. Review status: criteria provided, single submitter. Criteria: Invitae Variant Classification Sherloc (09022015). Collection method: clinical testing. Allele origin: germline.
Comment: This sequence change replaces valine, which is neutral and non-polar, with alanine, which is neutral and non-polar, at codon 541 of the SAMD9 protein (p.Val541Ala). This variant is not present in population databases (gnomAD no frequency). This variant has not been reported in the literature in individuals affected with SAMD9-related conditions. ClinVar contains an entry for this variant (Variation ID: 2657671). Invitae Evidence Modeling of protein sequence and biophysical properties (such as structural, functional, and spatial information, amino acid conservation, physicochemical variation, residue mobility, and thermodynamic stability) has been performed for this missense variant. However, the output from this modeling did not meet the statistical confidence thresholds required to predict the impact of this variant on SAMD9 protein function. In summary, the available evidence is currently insufficient to determine the role of this variant in disease. Therefore, it has been classified as a Variant of Uncertain Significance.

Ambry Genetics
Classification: Uncertain significance for Inborn genetic diseases. Last evaluated: 2025-07-25. Review status: criteria provided, single submitter. Criteria: Ambry Variant Classification Scheme 2023. Collection method: clinical testing. Allele origin: germline.
Comment: The p.V541A variant (also known as c.1622T>C), located in coding exon 1 of the SAMD9 gene, results from a T to C substitution at nucleotide position 1622. The valine at codon 541 is replaced by alanine, an amino acid with similar properties. This amino acid position is conserved. In addition, this alteration is predicted to be tolerated by in silico analysis. Based on the available evidence, the clinical significance of this variant remains unclear.

CeGaT Center for Human Genetics Tuebingen
Classification: Uncertain significance. Last evaluated: 2023-10-01. Review status: criteria provided, single submitter. Criteria: CeGaT Center For Human Genetics Tuebingen Variant Classification Criteria Version 2. Collection method: clinical testing. Allele origin: germline. Affected: yes. Observed: 1 variant allele.
Comment: SAMD9: PM2, BP4

NM_017654.4(SAMD9):c.1622T>C (p.Val541Ala)

Gene: SAMD9 (sterile alpha motif domain containing 9; minus strand). Cytogenetic location: 7q21.2.
Variant type: single nucleotide variant.
Coding change: c.1622T>C on transcript NM_017654.4 (MANE Select); coding-DNA position 1622, T replaced by C.
Protein change: p.Val541Ala; replaces valine 541 with alanine.
Molecular consequence: missense variant.
Genome position (GRCh38, 1-based): chr7:93,104,476, A>G on the plus strand (T>C on the coding strand, the complement: SAMD9 is on the minus strand). VCF-style: chr7-93104476-A-G. GRCh37 (hg19) VCF-style: chr7-92733789-A-G.
Other names: c.1622T>C, p.Val541Ala (NM_001193307.2); c.1622T>C (NM_017654.3); short protein forms V541A.
Identifiers: ClinVar variation 2657671 (VCV002657671.27), dbSNP rs1791595831, ClinGen allele CA368195593.